The following is an entry in ClinVar:

ClinVar aggregate classification (germline): Uncertain significance (1 of 4 stars; one submission).

Conditions:
Inborn genetic diseases. Identifiers: MedGen C0950123, MeSH D030342.

gnomAD v4.1: 4 of 1,343,074 alleles (0.0003%); highest among the groups gnomAD compares: African/African-American, 0.0016%; no homozygotes.

Submission:

Ambry Genetics
Classification: Uncertain significance for Inborn genetic diseases. Last evaluated: 2026-01-14. Review status: criteria provided, single submitter. Criteria: Ambry Variant Classification Scheme 2023. Collection method: clinical testing. Allele origin: germline.
Comment: The c.4385G>A (p.R1462H) alteration is located in exon 24 (coding exon 24) of the CUX1 gene. This alteration results from a G to A substitution at nucleotide position 4385, causing the arginine (R) at amino acid position 1462 to be replaced by a histidine (H). Based on data from gnomAD, the A allele has an overall frequency of <0.001% (0/58468) total alleles studied. The highest observed frequency was <0.001% (/) of alleles. Based on insufficient or conflicting evidence, the clinical significance of this alteration remains unclear.

NM_181552.4(CUX1):c.4352G>A (p.Arg1451His)

Gene: CUX1 (cut like homeobox 1; plus strand). Cytogenetic location: 7q22.1.
Variant type: single nucleotide variant.
Coding change: c.4352G>A on transcript NM_181552.4 (MANE Select); coding-DNA position 4352, G replaced by A.
Protein change: p.Arg1451His; replaces arginine 1451 with histidine.
Molecular consequence: missense variant. On other transcripts: intron variant (5).
Genome position (GRCh38, 1-based): chr7:102,248,876, G>A. VCF-style: chr7-102248876-G-A. GRCh37 (hg19) VCF-style: chr7-101892156-G-A.
Other names: c.4385G>A, p.Arg1462His (NM_001202543.2); c.1256-24490G>A (NM_001913.5); c.1250-24490G>A (NM_181500.4); c.1118-24490G>A (NM_001202545.3); c.1208-24490G>A (NM_001202544.3); c.1139-24490G>A (NM_001202546.3); short protein forms R1462H, R1451H.
Identifiers: ClinVar variation 4839227 (VCV004839227.1).
Genomic context (GRCh38, chr7:102,248,876, plus strand): 5'-GCCCCGCGGCCCCGAGCTCCGCGCCGCCGCCCAGCAACAGCAGCAGCAGCAGCGCCCCCC[G>A]CAGGCCCAGCTCGCTGCAGAGCCTTTTCGGCCTCCCCGAGGCCGCGGGCGCCCGGGACTC-3'
Protein context (NP_853530.2, residues 1441-1461): PSNSSSSSAP[Arg1451His]RPSSLQSLFG